The following is an entry in ClinVar:

NM_000179.3(MSH6):c.732A>G (p.Gln244=)

Gene: MSH6 (mutS homolog 6; plus strand). Cytogenetic location: 2p16.3.
Variant type: single nucleotide variant.
Coding change: c.732A>G on transcript NM_000179.3 (MANE Select); coding-DNA position 732, A replaced by G.
Protein change: p.Gln244=; no amino-acid change (glutamine 244 retained).
Molecular consequence: synonymous variant. On other transcripts: 5 prime UTR variant (2).
Genome position (GRCh38, 1-based): chr2:47,798,715, A>G. VCF-style: chr2-47798715-A-G. GRCh37 (hg19) VCF-style: chr2-48025854-A-G.
Other names: c.342A>G, p.Gln114= (NM_001281492.2); c.-175A>G (NM_001281493.2, NM_001281494.2).
Identifiers: ClinVar variation 234564 (VCV000234564.22), dbSNP rs774496371, ClinGen allele CA073397.

ClinVar aggregate classification (germline): Benign/Likely benign. Review status: criteria provided, multiple submitters, no conflicts (2 of 4 stars). 7 submissions from 7 submitters: Benign (1); Likely benign (6). Last evaluated 2026-01-05.

Conditions:
Hereditary nonpolyposis colorectal neoplasms. Identifiers: MedGen C0009405, MeSH D003123.
Hereditary cancer-predisposing syndrome. Also called: Hereditary neoplastic syndrome; Hereditary Cancer Syndrome; Neoplastic Syndromes, Hereditary; Tumor predisposition. Identifiers: Orphanet 140162, MedGen C0027672, MeSH D009386, MONDO:0015356.
Lynch syndrome. Identifiers: Orphanet 144, MedGen C4552100, MONDO:0005835. Disease mechanism: loss of function.
Lynch syndrome 5 (LYNCH5). Also called: Hereditary non-polyposis colorectal cancer, type 5; Colorectal cancer, hereditary nonpolyposis, type 5. Identifiers: Orphanet 144, MedGen C1833477, MONDO:0013710, OMIM 614350. Disease mechanism: loss of function.

Allele frequency attached by ClinVar (database versions not stated): gnomAD exomes 0.00001; ExAC 0.00002; TOPMed 0.00002; gnomAD 0.00003.
gnomAD v4.1: 2 of 1,614,086 alleles (0.00012%); highest among the groups gnomAD compares: East Asian, 0.0022%; no homozygotes.

Submissions (7):

Labcorp Genetics (formerly Invitae), Labcorp
Classification: Likely benign for Hereditary nonpolyposis colorectal neoplasms. Last evaluated: 2026-01-05. Review status: criteria provided, single submitter. Criteria: Invitae Variant Classification Sherloc (09022015). Collection method: clinical testing. Allele origin: germline.

Myriad Genetics, Inc.
Classification: Benign for Lynch syndrome 5. Last evaluated: 2024-12-19. Review status: criteria provided, single submitter. Criteria: Myriad Autosomal Dominant, Autosomal Recessive and X-Linked Classification Criteria (2023). Collection method: clinical testing. Allele origin: unknown.
Comment: This variant is considered benign. This variant is a silent/synonymous amino acid change and it is not expected to impact splicing.

Quest Diagnostics Nichols Institute San Juan Capistrano
Classification: Likely benign. Last evaluated: 2023-09-08. Review status: criteria provided, single submitter. Criteria: Quest Diagnostics criteria. Collection method: clinical testing. Allele origin: unknown.

All of Us Research Program, National Institutes of Health
Classification: Likely benign for Lynch syndrome. Last evaluated: 2023-05-04. Review status: criteria provided, single submitter. Criteria: ACMG Guidelines, 2015. Collection method: clinical testing. Allele origin: germline. Inheritance: Autosomal dominant inheritance. Observed: 1 variant allele, 1 heterozygote.
Comment: This study involves interpretation of variants in research participants for the purpose of population health screening. Participant phenotype was not available at the time of variant classification. Additional details can be found in publication PMID: 35346344, PMCID: PMC8962531

GeneDx
Classification: Likely benign. Last evaluated: 2018-09-26. Review status: criteria provided, single submitter. Criteria: GeneDx Variant Classification Process June 2021. Collection method: clinical testing. Allele origin: germline. Affected: yes.

Ambry Genetics
Classification: Likely benign for Hereditary cancer-predisposing syndrome. Last evaluated: 2018-03-27. Review status: criteria provided, single submitter. Criteria: Ambry Variant Classification Scheme 2023. Collection method: clinical testing. Allele origin: germline.

Color Diagnostics, LLC DBA Color Health
Classification: Likely benign for Hereditary cancer-predisposing syndrome. Last evaluated: 2017-08-11. Review status: criteria provided, single submitter. Criteria: ACMG Guidelines, 2015. Collection method: clinical testing. Allele origin: germline.